The following is an entry in ClinVar:

ClinVar aggregate classification (germline): Conflicting classifications of pathogenicity. Review status: criteria provided, conflicting classifications (1 of 4 stars). 4 submissions from 4 submitters: Uncertain significance (3); Likely benign (1). Last evaluated 2026-03-19.

Conditions:
Developmental and epileptic encephalopathy, 18 (DEE18). Also called: Early infantile epileptic encephalopathy 18. Identifiers: Orphanet 369894, MedGen C3809624, MONDO:0014201, OMIM 615476.
Inborn genetic diseases. Identifiers: MedGen C0950123, MeSH D030342.

Allele frequency attached by ClinVar (database versions not stated): gnomAD exomes 0.00001 and 0.00002; gnomAD 0.00003; TOPMed 0.00002.
gnomAD v4.1: 36 of 1,598,322 alleles (0.0023%); highest among the groups gnomAD compares: African/African-American, 0.004%; no homozygotes.

Submissions (4):

Ambry Genetics
Classification: Likely benign for Inborn genetic diseases. Last evaluated: 2026-03-19. Review status: criteria provided, single submitter. Criteria: Ambry Variant Classification Scheme 2023. Collection method: clinical testing. Allele origin: germline.

GeneDx
Classification: Uncertain significance. Last evaluated: 2025-04-03. Review status: criteria provided, single submitter. Criteria: GeneDx Variant Classification Process June 2021. Collection method: clinical testing. Allele origin: germline. Affected: yes.
Comment: Not observed at significant frequency in large population cohorts (gnomAD); In silico analysis indicates that this missense variant does not alter protein structure/function; Has not been previously published as pathogenic or benign to our knowledge

Labcorp Genetics (formerly Invitae), Labcorp
Classification: Uncertain significance. Last evaluated: 2023-08-17. Review status: criteria provided, single submitter. Criteria: Invitae Variant Classification Sherloc (09022015). Collection method: clinical testing. Allele origin: germline.
Comment: This sequence change replaces methionine, which is neutral and non-polar, with valine, which is neutral and non-polar, at codon 318 of the SZT2 protein (p.Met318Val). This variant is present in population databases (no rsID available, gnomAD 0.007%). This variant has not been reported in the literature in individuals affected with SZT2-related conditions. ClinVar contains an entry for this variant (Variation ID: 1192023). Advanced modeling of protein sequence and biophysical properties (such as structural, functional, and spatial information, amino acid conservation, physicochemical variation, residue mobility, and thermodynamic stability) performed at Invitae indicates that this missense variant is not expected to disrupt SZT2 protein function. In summary, the available evidence is currently insufficient to determine the role of this variant in disease. Therefore, it has been classified as a Variant of Uncertain Significance.

Genome-Nilou Lab
Classification: Uncertain significance for Developmental and epileptic encephalopathy, 18. Last evaluated: 2023-04-11. Review status: criteria provided, single submitter. Criteria: ACMG Guidelines, 2015. Collection method: clinical testing. Allele origin: germline. Affected: no.

NM_001365999.1(SZT2):c.952A>G (p.Met318Val)

Gene: SZT2 (SZT2 subunit of KICSTOR complex; plus strand). Cytogenetic location: 1p34.2.
Variant type: single nucleotide variant.
Coding change: c.952A>G on transcript NM_001365999.1 (MANE Select); coding-DNA position 952, A replaced by G.
Protein change: p.Met318Val; replaces methionine 318 with valine.
Molecular consequence: missense variant.
Genome position (GRCh38, 1-based): chr1:43,419,806, A>G. VCF-style: chr1-43419806-A-G. GRCh37 (hg19) VCF-style: chr1-43885477-A-G.
Other names: c.952A>G, p.Met318Val (NM_015284.4); short protein forms M318V.
Identifiers: ClinVar variation 1192023 (VCV001192023.10), dbSNP rs972539312, ClinGen allele CA21628608.